The following is an entry in ClinVar:

ClinVar aggregate classification (germline): Conflicting classifications of pathogenicity. Review status: criteria provided, conflicting classifications (1 of 4 stars). 5 submissions from 5 submitters: Uncertain significance (1); Benign (1); Likely benign (2). 1 of the submissions does not count toward it. Last evaluated 2026-01-06.

Conditions:
COL11A1-related disorder. Also called: COL11A1-related disorders; COL11A1-related condition.

Allele frequency attached by ClinVar (database versions not stated): gnomAD 0.00001 and 0.00021; TOPMed 0.00003; gnomAD exomes 0.00031 and 0.00056; 1000 Genomes Project 0.00060; 1000 Genomes Project 30x 0.00062; ExAC 0.00062.
gnomAD v4.1: 482 of 1,613,236 alleles (0.03%); highest among the groups gnomAD compares: South Asian, 0.5%; 6 homozygotes.

Submissions (5):

Labcorp Genetics (formerly Invitae), Labcorp
Classification: Benign. Last evaluated: 2026-01-06. Review status: criteria provided, single submitter. Criteria: Invitae Variant Classification Sherloc (09022015). Collection method: clinical testing. Allele origin: germline.

Blueprint Genetics
Classification: Likely benign. Last evaluated: 2024-11-21. Review status: criteria provided, single submitter. Criteria: ACMG Guidelines, 2015. Collection method: clinical testing. Allele origin: germline.

GeneDx
Classification: Likely benign. Last evaluated: 2020-06-23. Review status: criteria provided, single submitter. Criteria: GeneDx Variant Classification Process June 2021. Collection method: clinical testing. Allele origin: germline. Affected: yes.

CeGaT Center for Human Genetics Tuebingen
Classification: Uncertain significance. Last evaluated: 2016-06-01. Review status: criteria provided, single submitter. Criteria: CeGaT Center For Human Genetics Tuebingen Variant Classification Criteria Version 2. Collection method: clinical testing. Allele origin: germline. Affected: yes. Observed: 1 variant allele.

PreventionGenetics, part of Exact Sciences
Classification: Likely benign for COL11A1-related condition. Last evaluated: 2022-03-04. Review status: no assertion criteria provided. Collection method: clinical testing. Allele origin: germline. Not counted in ClinVar's aggregate classification.
Comment: This variant is classified as likely benign based on ACMG/AMP sequence variant interpretation guidelines (Richards et al. 2015 PMID: 25741868, with internal and published modifications).

NM_001854.4(COL11A1):c.2115A>G (p.Gln705=)

Gene: COL11A1 (collagen type XI alpha 1 chain; minus strand). Cytogenetic location: 1p21.1.
Variant type: single nucleotide variant.
Coding change: c.2115A>G on transcript NM_001854.4 (MANE Select); coding-DNA position 2115, A replaced by G.
Protein change: p.Gln705=; no amino-acid change (glutamine 705 retained).
Molecular consequence: synonymous variant. On other transcripts: non-coding transcript variant (1).
Genome position (GRCh38, 1-based): chr1:103,001,952, T>C on the plus strand (A>G on the coding strand, the complement: COL11A1 is on the minus strand). VCF-style: chr1-103001952-T-C. GRCh37 (hg19) VCF-style: chr1-103467508-T-C.
Other names: c.1998A>G, p.Gln666= (NM_001190709.2); c.2151A>G, p.Gln717= (NM_080629.3); c.1767A>G, p.Gln589= (NM_080630.4).
Identifiers: ClinVar variation 514845 (VCV000514845.53), dbSNP rs544663655, ClinGen allele CA974603.